The following is an entry in ClinVar:

ClinVar aggregate classification (germline): Uncertain significance (1 of 4 stars; one submission).

Conditions:
Epidermodysplasia verruciformis. Identifiers: Orphanet 302, MedGen C0014522, MONDO:0009176.

Allele frequency attached by ClinVar (database versions not stated): gnomAD exomes below 0.00001; ExAC 0.00001; gnomAD 0.00001; TOPMed 0.00002.
gnomAD v4.1: 3 of 1,611,244 alleles (0.00019%); highest among the groups gnomAD compares: Non-Finnish European, 0.00025%; no homozygotes.

Submission:

Labcorp Genetics (formerly Invitae), Labcorp
Classification: Uncertain significance for Epidermodysplasia verruciformis. Last evaluated: 2020-06-02. Review status: criteria provided, single submitter. Criteria: Invitae Variant Classification Sherloc (09022015). Collection method: clinical testing. Allele origin: germline.
Comment: Algorithms developed to predict the effect of missense changes on protein structure and function are either unavailable or do not agree on the potential impact of this missense change (SIFT: "Not Available"; PolyPhen-2: "Possibly Damaging"; Align-GVGD: "Not Available"). In summary, the available evidence is currently insufficient to determine the role of this variant in disease. Therefore, it has been classified as a Variant of Uncertain Significance. This variant has not been reported in the literature in individuals with TMC6-related conditions. This variant is present in population databases (rs781759484, ExAC 0.002%). This sequence change replaces lysine with arginine at codon 253 of the TMC6 protein (p.Lys253Arg). The lysine residue is weakly conserved and there is a small physicochemical difference between lysine and arginine.

NM_001127198.5(TMC6):c.758A>G (p.Lys253Arg)

Gene: TMC6 (transmembrane channel like 6; minus strand). Cytogenetic location: 17q25.3.
Variant type: single nucleotide variant.
Coding change: c.758A>G on transcript NM_001127198.5 (MANE Select); coding-DNA position 758, A replaced by G.
Protein change: p.Lys253Arg; replaces lysine 253 with arginine.
Molecular consequence: missense variant.
Genome position (GRCh38, 1-based): chr17:78,124,657, T>C on the plus strand (A>G on the coding strand, the complement: TMC6 is on the minus strand). VCF-style: chr17-78124657-T-C. GRCh37 (hg19) VCF-style: chr17-76120738-T-C.
Other names: c.758A>G, p.Lys253Arg (NM_001321185.1, NM_001374593.1, NM_001374594.1 and 4 more transcripts); short protein forms K253R.
Identifiers: ClinVar variation 1036322 (VCV001036322.7), dbSNP rs781759484, ClinGen allele CA8796012.